The following is an entry in ClinVar:

NM_000069.3(CACNA1S):c.1704C>G (p.Leu568=)

Gene: CACNA1S (calcium voltage-gated channel subunit alpha1 S; minus strand). Cytogenetic location: 1q32.1.
Variant type: single nucleotide variant.
Coding change: c.1704C>G on transcript NM_000069.3 (MANE Select); coding-DNA position 1704, C replaced by G.
Protein change: p.Leu568=; no amino-acid change (leucine 568 retained).
Molecular consequence: synonymous variant.
Genome position (GRCh38, 1-based): chr1:201,077,043, G>C on the plus strand (C>G on the coding strand, the complement: CACNA1S is on the minus strand). VCF-style: chr1-201077043-G-C. GRCh37 (hg19) VCF-style: chr1-201046171-G-C.
Identifiers: ClinVar variation 1907548 (VCV001907548.6), dbSNP rs201748367, ClinGen allele CA422689438.

ClinVar aggregate classification (germline): Likely benign. Review status: criteria provided, multiple submitters, no conflicts (2 of 4 stars). 2 submissions from 2 submitters: Likely benign (2). Last evaluated 2024-05-30.

Conditions:
Hypokalemic periodic paralysis, type 1. Also called: Hypokalemic Periodic Paralysis Type 1 (AD); HypoPP. Identifiers: Orphanet 681, MedGen C3714580, MONDO:0042979, OMIM 170400.
Malignant hyperthermia, susceptibility to, 5 (MHS5). Also called: CACNA1S-Related Malignant Hyperthermia Susceptibility. Identifiers: Orphanet 423, MedGen C1866077, MONDO:0011163, OMIM 601887.

Submissions (2):

All of Us Research Program, National Institutes of Health
Classification: Likely benign for Malignant hyperthermia, susceptibility to, 5. Last evaluated: 2024-05-30. Review status: criteria provided, single submitter. Criteria: ACMG Guidelines, 2015. Collection method: clinical testing. Allele origin: germline. Inheritance: Autosomal dominant inheritance. Observed: 1 variant allele, 1 heterozygote.
Comment: This study involves interpretation of variants in research participants for the purpose of population health screening. Participant phenotype was not available at the time of variant classification. Additional details can be found in publication PMID: 35346344, PMCID: PMC8962531

Labcorp Genetics (formerly Invitae), Labcorp
Classification: Likely benign for Hypokalemic periodic paralysis, type 1; Malignant hyperthermia, susceptibility to, 5. Last evaluated: 2022-02-08. Review status: criteria provided, single submitter. Criteria: Invitae Variant Classification Sherloc (09022015). Collection method: clinical testing. Allele origin: germline.